The following is an entry in ClinVar:

NM_145649.5(GCNT2):c.1000A>T (p.Arg334Ter)

Gene: GCNT2 (glucosaminyl (N-acetyl) transferase 2 (I blood group); plus strand). Cytogenetic location: 6p24.2.
Variant type: single nucleotide variant.
Coding change: c.1000A>T on transcript NM_145649.5 (MANE Select); coding-DNA position 1000, A replaced by T.
Protein change: p.Arg334Ter; replaces arginine 334 with a stop codon.
Molecular consequence: nonsense.
Genome position (GRCh38, 1-based): chr6:10,621,425, A>T. VCF-style: chr6-10621425-A-T. GRCh37 (hg19) VCF-style: chr6-10621658-A-T.
Other names: c.1000A>T, p.Arg334Ter (NM_001374747.1, NM_145655.4); c.994A>T, p.Arg332Ter (NM_001491.3); short protein forms R332*, R334*.
Identifiers: ClinVar variation 1437805 (VCV001437805.6), dbSNP rs2127444957, ClinGen allele CA362710293.

ClinVar aggregate classification (germline): Pathogenic (1 of 4 stars; one submission).

Conditions:
Cataract 13 with adult I phenotype. Identifiers: Orphanet 91492, MedGen C3805373, MONDO:0007289, OMIM 116700.

Submission:

Labcorp Genetics (formerly Invitae), Labcorp
Classification: Pathogenic for Cataract 13 with adult I phenotype. Last evaluated: 2023-12-11. Review status: criteria provided, single submitter. Criteria: Invitae Variant Classification Sherloc (09022015). Collection method: clinical testing. Allele origin: germline.
Comment: This sequence change creates a premature translational stop signal (p.Arg332*) in the GCNT2 gene. While this is not anticipated to result in nonsense mediated decay, it is expected to disrupt the last 69 amino acid(s) of the GCNT2 protein. This variant is not present in population databases (gnomAD no frequency). This variant has not been reported in the literature in individuals affected with GCNT2-related conditions. ClinVar contains an entry for this variant (Variation ID: 1437805). This variant disrupts a region of the GCNT2 protein in which other variant(s) (p.Tyr347Cys) have been determined to be pathogenic (PMID: 22935719, 25457163; Invitae). This suggests that this is a clinically significant region of the protein, and that variants that disrupt it are likely to be disease-causing. For these reasons, this variant has been classified as Pathogenic.

Literature cited by the submitters: PubMed 22935719; PubMed 25457163.